The following is an entry in ClinVar:

ClinVar aggregate classification (germline): Uncertain significance (1 of 4 stars; one submission).

Conditions:
Inborn genetic diseases. Identifiers: MedGen C0950123, MeSH D030342.

Submission:

Ambry Genetics
Classification: Uncertain significance for Inborn genetic diseases. Last evaluated: 2023-02-25. Review status: criteria provided, single submitter. Criteria: Ambry Variant Classification Scheme 2023. Collection method: clinical testing. Allele origin: germline.
Comment: The p.K68T variant (also known as c.203A>C), located in coding exon 2 of the EPAS1 gene, results from an A to C substitution at nucleotide position 203. The lysine at codon 68 is replaced by threonine, an amino acid with similar properties. This amino acid position is conserved. In addition, the in silico prediction for this alteration is inconclusive. Since supporting evidence is limited at this time, the clinical significance of this alteration remains unclear.

NM_001430.5(EPAS1):c.203A>C (p.Lys68Thr)

Gene: EPAS1 (endothelial PAS domain protein 1; plus strand). Cytogenetic location: 2p21.
Variant type: single nucleotide variant.
Coding change: c.203A>C on transcript NM_001430.5 (MANE Select); coding-DNA position 203, A replaced by C.
Protein change: p.Lys68Thr; replaces lysine 68 with threonine.
Molecular consequence: missense variant.
Genome position (GRCh38, 1-based): chr2:46,347,049, A>C. VCF-style: chr2-46347049-A-C. GRCh37 (hg19) VCF-style: chr2-46574188-A-C.
Other names: short protein forms K68T.
Identifiers: ClinVar variation 2450327 (VCV002450327.2), dbSNP rs2546440108, ClinGen allele CA346697247.
Genomic context (GRCh38, chr2:46,347,049, plus strand): 5'-GCTCCCATCTGGACAAGGCCTCCATCATGCGACTGGCAATCAGCTTCCTGCGAACACACA[A>C]GCTCCTCTCCTCAGGTAAGGCCAGCAGGCTCCCCTAGGCTGGGCAGATGCCAGCCTTACC-3'
Protein context (NP_001421.2, residues 58-78): RLAISFLRTH[Lys68Thr]LLSSVCSENE